The following is an entry in ClinVar:

NM_023036.6(DNAI2):c.587G>A (p.Ser196Asn)

Gene: DNAI2 (dynein axonemal intermediate chain 2; plus strand). Cytogenetic location: 17q25.1.
Variant type: single nucleotide variant.
Coding change: c.587G>A on transcript NM_023036.6 (MANE Select); coding-DNA position 587, G replaced by A.
Protein change: p.Ser196Asn; replaces serine 196 with asparagine.
Molecular consequence: missense variant. On other transcripts: non-coding transcript variant (1).
Genome position (GRCh38, 1-based): chr17:74,289,713, G>A. VCF-style: chr17-74289713-G-A. GRCh37 (hg19) VCF-style: chr17-72285852-G-A.
Other names: c.587G>A, p.Ser196Asn (NM_001172810.3, NM_001353167.2); short protein forms S196N.
Identifiers: ClinVar variation 936002 (VCV000936002.7), dbSNP rs1567850585, ClinGen allele CA400906355.

ClinVar aggregate classification (germline): Uncertain significance (1 of 4 stars; one submission).

Conditions:
Primary ciliary dyskinesia. Also called: Ciliary dyskinesia. Identifiers: Orphanet 244, MedGen C0008780, MONDO:0016575, HP:0012265.

Submission:

Labcorp Genetics (formerly Invitae), Labcorp
Classification: Uncertain significance for Primary ciliary dyskinesia. Last evaluated: 2021-09-01. Review status: criteria provided, single submitter. Criteria: Invitae Variant Classification Sherloc (09022015). Collection method: clinical testing. Allele origin: germline.
Comment: This sequence change replaces serine with asparagine at codon 196 of the DNAI2 protein (p.Ser196Asn). The serine residue is weakly conserved and there is a small physicochemical difference between serine and asparagine. This variant is not present in population databases (ExAC no frequency). This variant has not been reported in the literature in individuals affected with DNAI2-related conditions. Algorithms developed to predict the effect of missense changes on protein structure and function output the following: SIFT: "Tolerated"; PolyPhen-2: "Benign"; Align-GVGD: "Class C0". The asparagine amino acid residue is found in multiple mammalian species, which suggests that this missense change does not adversely affect protein function. In summary, the available evidence is currently insufficient to determine the role of this variant in disease. Therefore, it has been classified as a Variant of Uncertain Significance.